The following is an entry in ClinVar:

ClinVar aggregate classification (germline): Uncertain significance (1 of 4 stars; one submission).

Conditions:
Neuronopathy, distal hereditary motor, type 7A. Also called: Neuronopathy, distal hereditary motor, type viia; NEURONOPATHY, DISTAL HEREDITARY MOTOR, HARDING TYPE VIIA; NEUROPATHY, DISTAL HEREDITARY MOTOR, HARDING TYPE VIIA; Neuronopathy, distal hereditary motor, autosomal dominant 7; HARPER-YOUNG MYOPATHY; HMN VIIA. Identifiers: Orphanet 139589, MedGen C1834703, MONDO:0008024, OMIM 158580.
Congenital myasthenic syndrome 20. Also called: Myasthenic syndrome, congenital, 20, presynaptic. Identifiers: MedGen C4310694, MONDO:0014939, OMIM 617143.

Submission:

Labcorp Genetics (formerly Invitae), Labcorp
Classification: Uncertain significance for Neuronopathy, distal hereditary motor, type 7A; Congenital myasthenic syndrome 20. Last evaluated: 2022-07-26. Review status: criteria provided, single submitter. Criteria: Invitae Variant Classification Sherloc (09022015). Collection method: clinical testing. Allele origin: germline.
Comment: This variant has not been reported in the literature in individuals affected with SLC5A7-related conditions. This variant is not present in population databases (gnomAD no frequency). This sequence change replaces glycine, which is neutral and non-polar, with cysteine, which is neutral and slightly polar, at codon 338 of the SLC5A7 protein (p.Gly338Cys). ClinVar contains an entry for this variant (Variation ID: 1479422). In summary, the available evidence is currently insufficient to determine the role of this variant in disease. Therefore, it has been classified as a Variant of Uncertain Significance. Algorithms developed to predict the effect of sequence changes on RNA splicing suggest that this variant may create or strengthen a splice site. Algorithms developed to predict the effect of missense changes on protein structure and function (SIFT, PolyPhen-2, Align-GVGD) all suggest that this variant is likely to be disruptive.

NM_021815.5(SLC5A7):c.1012G>T (p.Gly338Cys)

Gene: SLC5A7 (solute carrier family 5 member 7; plus strand). Cytogenetic location: 2q12.3.
Variant type: single nucleotide variant.
Coding change: c.1012G>T on transcript NM_021815.5 (MANE Select); coding-DNA position 1012, G replaced by T.
Protein change: p.Gly338Cys; replaces glycine 338 with cysteine.
Molecular consequence: missense variant.
Genome position (GRCh38, 1-based): chr2:108,008,581, G>T. VCF-style: chr2-108008581-G-T. GRCh37 (hg19) VCF-style: chr2-108625037-G-T.
Other names: c.1012G>T, p.Gly338Cys (NM_001305005.3); c.697G>T, p.Gly233Cys (NM_001305006.3); c.271G>T, p.Gly91Cys (NM_001305007.3); short protein forms G338C, G233C, G91C.
Identifiers: ClinVar variation 1479422 (VCV001479422.8), dbSNP rs2104379258, ClinGen allele CA348113641.